The following is an entry in ClinVar:

NM_000548.5(TSC2):c.1119+129G>T

Gene: TSC2 (TSC complex subunit 2; plus strand). Cytogenetic location: 16p13.3.
Variant type: single nucleotide variant.
Coding change: c.1119+129G>T on transcript NM_000548.5 (MANE Select); 129 bases into the intron after coding-DNA position 1119, G replaced by T.
Molecular consequence: intron variant.
Genome position (GRCh38, 1-based): chr16:2,060,942, G>T. VCF-style: chr16-2060942-G-T. GRCh37 (hg19) VCF-style: chr16-2110943-G-T.
Other names: c.1119+129G>T (NM_001114382.3, NM_021055.3, NM_001370405.1 and 3 more transcripts); c.1008+129G>T (NM_001318827.2); c.519+129G>T (NM_001318831.2); c.972+129G>T (NM_001318829.2); c.1152+129G>T (NM_001318832.2).
Identifiers: ClinVar variation 930216 (VCV000930216.2), dbSNP rs1001221917, ClinGen allele CA1139664338.

ClinVar aggregate classification (germline): Pathogenic (1 of 4 stars; one submission).

Conditions:
Tuberous sclerosis 2 (TSC2). Identifiers: Orphanet 805, MedGen C1860707, MONDO:0013199, OMIM 613254.

Submission:

Division of Genomic Medicine, Department of Advanced Medicine, Medical Research Institute, Kanazawa Medical University
Classification: Pathogenic for Tuberous sclerosis 2. Last evaluated: 2022-07-19. Review status: criteria provided, single submitter. Criteria: ACMG Guidelines, 2015. Collection method: clinical testing. Allele origin: germline. Affected: yes. Observed: 1 variant allele.
Comment: NC_000016.10:g.2060942G>T (NM_000548.5:c.1119+129G>T). This intronic substitiution create a branch point consensus sequernce as (G)TGAT to (T)TGAT. In mRNA level of peripheral blood mononuclear cell of the patient, insertion of a 87 bp cassette exon betweeen exon 11 and exon 12 was observed as NM_000548.5:r.1119_1120ins(1119+140_1119+226). And in protein level, the consequences are estimated a frameshift and stop gain as NP_000539.2:p.(Thr374TrpfsTer12).